The following is an entry in ClinVar:

ClinVar aggregate classification (germline): Conflicting classifications of pathogenicity. Review status: criteria provided, conflicting classifications (1 of 4 stars). 2 submissions from 2 submitters: Uncertain significance (1); Likely benign (1). Last evaluated 2023-03-23.

Conditions:
Hereditary cancer-predisposing syndrome. Also called: Hereditary Cancer Syndrome; Neoplastic Syndromes, Hereditary; Tumor predisposition; Hereditary neoplastic syndrome. Identifiers: Orphanet 140162, MedGen C0027672, MeSH D009386, MONDO:0015356.

Submissions (2):

University of Washington Department of Laboratory Medicine, University of Washington
Classification: Likely benign for Hereditary cancer-predisposing syndrome. Last evaluated: 2023-03-23. Review status: criteria provided, single submitter. Criteria: Dines et al. (Genet Med. 2020). Collection method: curation. Allele origin: germline.
Comment: Missense variant in a coldspot region where missense variants are very unlikely to be pathogenic (PMID:31911673).

BRCA2 exon 11 coldspot. Reclassification based on statistical prior probability.

Ambry Genetics
Classification: Uncertain significance for Hereditary cancer-predisposing syndrome. Last evaluated: 2017-09-22. Review status: criteria provided, single submitter. Criteria: Ambry Variant Classification Scheme 2023. Collection method: clinical testing. Allele origin: germline.
Comment: The p.C1591S variant (also known as c.4772G>C), located in coding exon 10 of the BRCA2 gene, results from a G to C substitution at nucleotide position 4772. The cysteine at codon 1591 is replaced by serine, an amino acid with dissimilar properties. This amino acid position is poorly conserved in available vertebrate species. In addition, this alteration is predicted to be tolerated by in silico analysis. Since supporting evidence is limited at this time, the clinical significance of this alteration remains unclear.

NM_000059.4(BRCA2):c.4772G>C (p.Cys1591Ser)

Gene: BRCA2 (BRCA2 DNA repair associated; plus strand). Cytogenetic location: 13q13.1.
Variant type: single nucleotide variant.
Coding change: c.4772G>C on transcript NM_000059.4 (MANE Select); coding-DNA position 4772, G replaced by C.
Protein change: p.Cys1591Ser; replaces cysteine 1591 with serine.
Molecular consequence: missense variant.
Genome position (GRCh38, 1-based): chr13:32,339,127, G>C. VCF-style: chr13-32339127-G-C. GRCh37 (hg19) VCF-style: chr13-32913264-G-C.
Other names: short protein forms C1591S.
Identifiers: ClinVar variation 481001 (VCV000481001.7), dbSNP rs1555283933, ClinGen allele CA387783170.
Genomic context (GRCh38, chr13:32,339,127, plus strand): 5'-AGGCCTGTAAAGACCTTGAATTAGCATGTGAGACCATTGAGATCACAGCTGCCCCAAAGT[G>C]TAAAGAAATGCAGAATTCTCTCAATAATGATAAAAACCTTGTTTCTATTGAGACTGTGGT-3'
Protein context (NP_000050.3, residues 1581-1601): ETIEITAAPK[Cys1591Ser]KEMQNSLNND